The following is an entry in ClinVar:

ClinVar aggregate classification (germline): Uncertain significance. Review status: criteria provided, multiple submitters, no conflicts (2 of 4 stars). 2 submissions from 2 submitters: Uncertain significance (2). Last evaluated 2025-02-17.

Conditions:
Hereditary cancer-predisposing syndrome. Also called: Tumor predisposition; Neoplastic Syndromes, Hereditary; Hereditary Cancer Syndrome; Hereditary neoplastic syndrome. Identifiers: Orphanet 140162, MedGen C0027672, MeSH D009386, MONDO:0015356.
Familial adenomatous polyposis 1 (FAP1). Also called: POLYPOSIS, ADENOMATOUS INTESTINAL; FAMILIAL ADENOMATOUS POLYPOSIS 1, ATTENUATED. Identifiers: MedGen C2713442, MONDO:0021056, OMIM 175100. Disease mechanism: loss of function.

Submissions (2):

Labcorp Genetics (formerly Invitae), Labcorp
Classification: Uncertain significance for Familial adenomatous polyposis 1. Last evaluated: 2025-02-17. Review status: criteria provided, single submitter. Criteria: Invitae Variant Classification Sherloc (09022015). Collection method: clinical testing. Allele origin: germline.
Comment: This sequence change replaces serine, which is neutral and polar, with proline, which is neutral and non-polar, at codon 2555 of the APC protein (p.Ser2555Pro). This variant is not present in population databases (gnomAD no frequency). This variant has not been reported in the literature in individuals affected with APC-related conditions. ClinVar contains an entry for this variant (Variation ID: 1381848). Invitae Evidence Modeling of protein sequence and biophysical properties (such as structural, functional, and spatial information, amino acid conservation, physicochemical variation, residue mobility, and thermodynamic stability) indicates that this missense variant is not expected to disrupt APC protein function with a negative predictive value of 95%. In summary, the available evidence is currently insufficient to determine the role of this variant in disease. Therefore, it has been classified as a Variant of Uncertain Significance.

Ambry Genetics
Classification: Uncertain significance for Hereditary cancer-predisposing syndrome. Last evaluated: 2023-11-16. Review status: criteria provided, single submitter. Criteria: Ambry Variant Classification Scheme 2023. Collection method: clinical testing. Allele origin: germline.
Comment: The p.S2555P variant (also known as c.7663T>C), located in coding exon 15 of the APC gene, results from a T to C substitution at nucleotide position 7663. The serine at codon 2555 is replaced by proline, an amino acid with similar properties. This amino acid position is conserved. In addition, in silico predictors for this gene do not accurately predict pathogenicity. Since supporting evidence is limited at this time, the clinical significance of this alteration remains unclear.

NM_000038.6(APC):c.7663T>C (p.Ser2555Pro)

Gene: APC (APC regulator of Wnt signaling pathway; plus strand). Cytogenetic location: 5q22.2.
Variant type: single nucleotide variant.
Coding change: c.7663T>C on transcript NM_000038.6 (MANE Select); coding-DNA position 7663, T replaced by C.
Protein change: p.Ser2555Pro; replaces serine 2555 with proline.
Molecular consequence: missense variant.
Genome position (GRCh38, 1-based): chr5:112,843,257, T>C. VCF-style: chr5-112843257-T-C. GRCh37 (hg19) VCF-style: chr5-112178954-T-C.
Other names: c.7663T>C, p.Ser2555Pro (NM_001127510.3, NM_001354895.2); c.7609T>C, p.Ser2537Pro (NM_001127511.3); c.7717T>C, p.Ser2573Pro (NM_001354896.2); c.7693T>C, p.Ser2565Pro (NM_001354897.2); c.7588T>C, p.Ser2530Pro (NM_001354898.2); c.7579T>C, p.Ser2527Pro (NM_001354899.2); c.7540T>C, p.Ser2514Pro (NM_001354900.2); c.7486T>C, p.Ser2496Pro (NM_001354901.2); and 6 more; short protein forms S2464P, S2496P, S2537P, S2555P, S2573P, S2395P, S2429P, S2514P.
Identifiers: ClinVar variation 1381848 (VCV001381848.7), dbSNP rs370581125, ClinGen allele CA16037980.